The following is an entry in ClinVar:

NM_138295.5(PKD1L1):c.5844C>T (p.Ser1948=)

Gene: PKD1L1 (polycystin 1 like 1, transient receptor potential channel interacting; minus strand). Cytogenetic location: 7p12.3.
Variant type: single nucleotide variant.
Coding change: c.5844C>T on transcript NM_138295.5 (MANE Select); coding-DNA position 5844, C replaced by T.
Protein change: p.Ser1948=; no amino-acid change (serine 1948 retained).
Molecular consequence: synonymous variant.
Genome position (GRCh38, 1-based): chr7:47,837,020, G>A on the plus strand (C>T on the coding strand, the complement: PKD1L1 is on the minus strand). VCF-style: chr7-47837020-G-A. GRCh37 (hg19) VCF-style: chr7-47876618-G-A.
Other names: c.5844C>T (NM_138295.3).
Identifiers: ClinVar variation 2884664 (VCV002884664.5), dbSNP rs550861809, ClinGen allele CA4252705.

ClinVar aggregate classification (germline): Benign. Review status: criteria provided, single submitter (1 of 4 stars). 2 submissions from 2 submitters: Benign (1). 1 of the submissions does not count toward it. Last evaluated 2023-11-25.

Conditions:
PKD1L1-related disorder. Also called: PKD1L1-related condition.

Allele frequency attached by ClinVar (database versions not stated): gnomAD 0.00005; gnomAD exomes 0.00006; TOPMed 0.00014; ExAC 0.00020; 1000 Genomes Project 0.00060; 1000 Genomes Project 30x 0.00062.
gnomAD v4.1: 98 of 1,614,146 alleles (0.0061%); highest among the groups gnomAD compares: East Asian, 0.13%; 1 homozygote.

Submissions (2):

Labcorp Genetics (formerly Invitae), Labcorp
Classification: Benign. Last evaluated: 2023-11-25. Review status: criteria provided, single submitter. Criteria: Invitae Variant Classification Sherloc (09022015). Collection method: clinical testing. Allele origin: germline.

PreventionGenetics, part of Exact Sciences
Classification: Likely benign for PKD1L1-related condition. Last evaluated: 2019-06-24. Review status: no assertion criteria provided. Collection method: clinical testing. Allele origin: germline. Not counted in ClinVar's aggregate classification.
Comment: This variant is classified as likely benign based on ACMG/AMP sequence variant interpretation guidelines (Richards et al. 2015 PMID: 25741868, with internal and published modifications).